The following is an entry in ClinVar:

NM_003000.3(SDHB):c.307A>G (p.Met103Val)

Gene: SDHB (succinate dehydrogenase complex iron sulfur subunit B; minus strand). Cytogenetic location: 1p36.13.
Variant type: single nucleotide variant.
Coding change: c.307A>G on transcript NM_003000.3 (MANE Select); coding-DNA position 307, A replaced by G.
Protein change: p.Met103Val; replaces methionine 103 with valine.
Molecular consequence: missense variant.
Genome position (GRCh38, 1-based): chr1:17,028,716, T>C on the plus strand (A>G on the coding strand, the complement: SDHB is on the minus strand). VCF-style: chr1-17028716-T-C. GRCh37 (hg19) VCF-style: chr1-17355211-T-C.
Other names: short protein forms M103V.
Identifiers: ClinVar variation 239429 (VCV000239429.25), dbSNP rs140178341, ClinGen allele CA089584.

ClinVar aggregate classification (germline): Conflicting classifications of pathogenicity. Review status: criteria provided, conflicting classifications (1 of 4 stars). 10 submissions from 9 submitters: Uncertain significance (8); Benign (1); Likely benign (1). Last evaluated 2026-07-29.

Conditions:
Pheochromocytoma/paraganglioma syndrome 4. Also called: SDHB-Related Hereditary Paraganglioma-Pheochromocytoma Syndrome; CAROTID BODY TUMORS AND MULTIPLE EXTRAADRENAL PHEOCHROMOCYTOMAS; PARAGANGLIOMA, FAMILIAL MALIGNANT; PARAGANGLIOMAS, HEREDITARY EXTRAADRENAL; PHEOCHROMOCYTOMA, FAMILIAL EXTRAADRENAL; SDHB-Related Hereditary Paraganglioma-Pheochromocytoma Syndrome (Paragangliomas 4). Identifiers: Orphanet 29072, MedGen C1861848, MONDO:0007273, OMIM 115310.
Pheochromocytoma. Also called: MAX-Related Hereditary Paraganglioma-Pheochromocytoma Syndrome. Identifiers: Orphanet 29072, MedGen C0031511, MONDO:0008233, OMIM 171300, HP:0002666.
Gastrointestinal stromal tumor. Also called: Gastrointestinal stromal tumor, somatic; Gastrointestinal stroma tumor. Identifiers: Orphanet 44890, MedGen C0238198, MeSH D046152, MONDO:0011719, OMIM 606764, HP:0100723.
SDHB-related disorder. Also called: SDHB-related condition; SDHB-related disorders. Identifiers: MedGen CN239418.
Hereditary cancer-predisposing syndrome. Also called: Neoplastic Syndromes, Hereditary; Hereditary neoplastic syndrome; Hereditary Cancer Syndrome; Tumor predisposition. Identifiers: Orphanet 140162, MedGen C0027672, MeSH D009386, MONDO:0015356.
Carney-Stratakis syndrome. Also called: PARAGANGLIOMA AND GASTROINTESTINAL STROMAL TUMOR. Identifiers: Orphanet 97286, MedGen C1847319, MONDO:0011740, OMIM 606864.
Hereditary pheochromocytoma and paraganglioma. Also called: Hereditary Paraganglioma-Pheochromocytoma Syndromes; Hereditary pheochromocytoma-paraganglioma; Hereditary paragangliomas and pheochromocytomas. Identifiers: Orphanet 29072, MedGen C4274332, MONDO:0017366.

Allele frequency attached by ClinVar (database versions not stated): gnomAD 0.00004; gnomAD exomes 0.00005 and 0.00018; ESP Exome Variant Server 0.00008; TOPMed 0.00011; ExAC 0.00013.

Submissions (10):

PreventionGenetics, part of Exact Sciences
Classification: Uncertain significance for SDHB-related condition. Last evaluated: 2026-07-29. Review status: criteria provided, single submitter. Criteria: ACMG Guidelines, 2015. Collection method: clinical testing. Allele origin: germline.
Comment: The SDHB c.307A>G variant is predicted to result in the amino acid substitution p.Met103Val. This variant was reported in an individual with phaeochromocytoma and paraganglioma (Supplementary Table 2, Garrett et al. 2022. PubMed ID: 34906457) and in an individual with kidney cancer (Data Sheet 1, Gifoni et al. 2022. PubMed ID: 35957908). This variant is reported in 0.095% of alleles in individuals of Latino descent in gnomAD and has conflicting interpretations regarding its pathogenicity in ClinVar, ranging from likely benign to uncertain (Variation: 239429). Although we suspect that this variant may be benign, at this time, the clinical significance of this variant is uncertain due to the absence of conclusive functional and genetic evidence.

Labcorp Genetics (formerly Invitae), Labcorp
Classification: Uncertain significance for Gastrointestinal stromal tumor; Pheochromocytoma/paraganglioma syndrome 4; Pheochromocytoma. Last evaluated: 2026-01-27. Review status: criteria provided, single submitter. Criteria: Invitae Variant Classification Sherloc (09022015). Collection method: clinical testing. Allele origin: germline.
Comment: This sequence change replaces methionine, which is neutral and non-polar, with valine, which is neutral and non-polar, at codon 103 of the SDHB protein (p.Met103Val). This variant is present in population databases (rs140178341, gnomAD 0.1%). This missense change has been observed in individual(s) with kidney cancer and/or pheochromocytomas and paragangliomas (PMID: 34906457, 35957908). ClinVar contains an entry for this variant (Variation ID: 239429). Invitae Evidence Modeling of protein sequence and biophysical properties (such as structural, functional, and spatial information, amino acid conservation, physicochemical variation, residue mobility, and thermodynamic stability) indicates that this missense variant is not expected to disrupt SDHB protein function with a negative predictive value of 80%. RNA analysis performed to evaluate the impact of this missense change on mRNA splicing indicates it does not significantly alter splicing (internal data). In summary, the available evidence is currently insufficient to determine the role of this variant in disease. Therefore, it has been classified as a Variant of Uncertain Significance.

Color Diagnostics, LLC DBA Color Health
Classification: Benign for Hereditary pheochromocytoma and paraganglioma. Last evaluated: 2025-11-25. Review status: criteria provided, single submitter. Criteria: ACMG Guidelines, 2015. Collection method: clinical testing. Allele origin: germline.
Comment: [Population, common] The variant allele frequency in a large control population is greater than expected for the disease. (ACMG BA1)

GeneDx
Classification: Uncertain significance. Last evaluated: 2024-05-30. Review status: criteria provided, single submitter. Criteria: GeneDx Variant Classification Process June 2021. Collection method: clinical testing. Allele origin: germline. Affected: yes.
Comment: Observed in individuals with paraganglioma/pheochromocytoma, kidney cancer, or neuroectodermal tumor (PMID: 34906457, 35957908, 38093606); In silico analysis supports that this missense variant has a deleterious effect on protein structure/function; This variant is associated with the following publications: (PMID: 29684080, 32948195, 34906457, 35957908, 38093606)

Baylor Genetics
Classification: Uncertain significance for Gastrointestinal stromal tumor. Last evaluated: 2024-03-22. Review status: criteria provided, single submitter. Criteria: ACMG Guidelines, 2015. Collection method: clinical testing. Allele origin: unknown.

St. Jude Molecular Pathology, St. Jude Children's Research Hospital
Classification: Uncertain significance for Pheochromocytoma/paraganglioma syndrome 4. Last evaluated: 2022-09-29. Review status: criteria provided, single submitter. Criteria: St. Jude Assertion Criteria 2020. Collection method: clinical testing. Allele origin: germline.
Comment: The SDHB c.307A>G (p.Met103Val) missense change has a maximum frequency of 0.095% in gnomAD v2.1.1. The in silico tool REVEL predicts a deleterious effect on protein function, but to our knowledge this prediction has not been confirmed by functional studies. To our knowledge, this variant has not been reported in individuals with hereditary paraganglioma-pheochromocytoma. In summary, the evidence currently available is insufficient to determine the clinical significance of this variant. It has therefore been classified as of uncertain significance.

Ambry Genetics
Classification: Likely benign for Hereditary cancer-predisposing syndrome. Last evaluated: 2019-12-04. Review status: criteria provided, single submitter. Criteria: Ambry Variant Classification Scheme 2023. Collection method: clinical testing. Allele origin: germline.

Baylor Genetics
Classification: Uncertain significance for Pheochromocytoma. Last evaluated: 2019-09-10. Review status: criteria provided, single submitter. Criteria: ACMG Guidelines, 2015. Collection method: clinical testing. Allele origin: paternal. Affected: yes. Study: CSER-TexasKidsCanSeq.
Comment: This variant was determined to be of uncertain significance according to ACMG Guidelines, 2015 [PMID:25741868].

Mendelics
Classification: Uncertain significance for Gastrointestinal stromal tumor. Last evaluated: 2019-05-28. Review status: criteria provided, single submitter. Criteria: Mendelics Assertion Criteria 2017. Collection method: clinical testing. Allele origin: unknown.

Fulgent Genetics
Classification: Uncertain significance for Pheochromocytoma/paraganglioma syndrome 4; Pheochromocytoma; Carney-Stratakis syndrome. Last evaluated: 2018-10-31. Review status: criteria provided, single submitter. Criteria: ACMG Guidelines, 2015. Collection method: clinical testing. Allele origin: unknown.

Literature cited by the submitters: PubMed 34906457 (cited by Labcorp Genetics (formerly Invitae), Labcorp); PubMed 35957908 (cited by Labcorp Genetics (formerly Invitae), Labcorp).